The following is an entry in ClinVar:

NM_001961.4(EEF2):c.2314G>A (p.Glu772Lys)

Gene: EEF2 (eukaryotic translation elongation factor 2; minus strand). Cytogenetic location: 19p13.3.
Variant type: single nucleotide variant.
Coding change: c.2314G>A on transcript NM_001961.4 (MANE Select); coding-DNA position 2314, G replaced by A.
Protein change: p.Glu772Lys; replaces glutamic acid 772 with lysine.
Molecular consequence: missense variant.
Genome position (GRCh38, 1-based): chr19:3,977,284, C>T on the plus strand (G>A on the coding strand, the complement: EEF2 is on the minus strand). VCF-style: chr19-3977284-C-T. GRCh37 (hg19) VCF-style: chr19-3977282-C-T.
Other names: short protein forms E772K.
Identifiers: ClinVar variation 1696864 (VCV001696864.3), dbSNP rs2145355764, ClinGen allele CA403389370.
Genomic context (GRCh38, chr19:3,977,284, plus strand): 5'-CGTTGACGGGCAGATAGGCCTTGACCACAAACATGGGGGTGCCGGCCACCTGGGACTCCT[C>T]GAACACGTGGCCCCGCTTCCTGTTCAAAACCCCGTAGATGCCACCGACCACCTGCTCTGG-3'
Protein context (NP_001952.1, residues 762-782): VLNRKRGHVF[Glu772Lys]ESQVAGTPMF

ClinVar aggregate classification (germline): Likely pathogenic (0 of 4 stars; one submission).

Conditions:
Spinocerebellar ataxia type 26 (SCA26). Identifiers: Orphanet 101112, MedGen C1836395, MONDO:0012246, OMIM 609306.

Allele frequency attached by ClinVar (database versions not stated): gnomAD exomes below 0.00001.
gnomAD v4.1: 2 of 1,610,512 alleles (0.00012%); highest among the groups gnomAD compares: Non-Finnish European, 0.00017%; no homozygotes.

Submission:

Center for Human Genetics and Genomic Medicine, Uniklinik Rwth Aachen
Classification: Likely pathogenic for Spinocerebellar ataxia type 26. Last evaluated: 2022-05-25. Review status: no assertion criteria provided. Collection method: clinical testing. Allele origin: de novo. Inheritance: Autosomal dominant inheritance. Affected: yes.
Comment: It has therefore been classified as likely pathogenic.